The following is an entry in ClinVar:

ClinVar aggregate classification (germline): Likely pathogenic. Review status: criteria provided, multiple submitters, no conflicts (2 of 4 stars). 2 submissions from 2 submitters: Likely pathogenic (2). Last evaluated 2023-03-23.

Conditions:
Progressive sclerosing poliodystrophy (MTDPS4A). Also called: ALPERS PROGRESSIVE INFANTILE POLIODYSTROPHY; NEURONAL DEGENERATION OF CHILDHOOD WITH LIVER DISEASE, PROGRESSIVE; Mitochondrial DNA depletion syndrome 4A (Alpers type); Mitochondrial DNA Depletion Syndrome 4A; Alpers-Huttenlocher Syndrome (AHS); Alpers Syndrome. Identifiers: Orphanet 726, MedGen C0205710, MONDO:0008758, OMIM 203700.

Submissions (2):

Baylor Genetics
Classification: Likely pathogenic for Progressive sclerosing poliodystrophy. Last evaluated: 2023-03-23. Review status: criteria provided, single submitter. Criteria: ACMG Guidelines, 2015. Collection method: clinical testing. Allele origin: unknown.

Labcorp Genetics (formerly Invitae), Labcorp
Classification: Likely pathogenic for Progressive sclerosing poliodystrophy. Last evaluated: 2023-02-01. Review status: criteria provided, single submitter. Criteria: Invitae Variant Classification Sherloc (09022015). Collection method: clinical testing. Allele origin: germline.
Comment: In summary, the currently available evidence indicates that the variant is pathogenic, but additional data are needed to prove that conclusively. Therefore, this variant has been classified as Likely Pathogenic. Algorithms developed to predict the effect of sequence changes on RNA splicing suggest that this variant may disrupt the consensus splice site. This variant has not been reported in the literature in individuals affected with POLG-related conditions. This variant is not present in population databases (gnomAD no frequency). This sequence change affects a donor splice site in intron 15 of the POLG gene. It is expected to disrupt RNA splicing. Variants that disrupt the donor or acceptor splice site typically lead to a loss of protein function (PMID: 16199547), and loss-of-function variants in POLG are known to be pathogenic (PMID: 18546365).

Literature cited by the submitters: PubMed 16199547 (cited by Labcorp Genetics (formerly Invitae), Labcorp); PubMed 18546365 (cited by Labcorp Genetics (formerly Invitae), Labcorp).

NM_002693.3(POLG):c.2480+2T>C

Gene: POLG (DNA polymerase gamma, catalytic subunit; minus strand). Cytogenetic location: 15q26.1.
Variant type: single nucleotide variant.
Coding change: c.2480+2T>C on transcript NM_002693.3 (MANE Select); the canonical splice donor site of the intron after coding-DNA position 2480, T replaced by C.
Molecular consequence: splice donor variant.
Genome position (GRCh38, 1-based): chr15:89,321,960, A>G on the plus strand (T>C on the coding strand, the complement: POLG is on the minus strand). VCF-style: chr15-89321960-A-G. GRCh37 (hg19) VCF-style: chr15-89865191-A-G.
Other names: c.2480+2T>C (NM_001126131.2).
Identifiers: ClinVar variation 2677953 (VCV002677953.4), dbSNP rs2509223240, ClinGen allele CA393754890.
Genomic context (GRCh38, chr15:89,321,960, plus strand): 5'-GCCTTAGGACCTACCACCTCACCTCAGTTCTCCTATCCCTACAACCACTCAGCAGACCAT[A>G]CCTGATCACAGCACGGGGCAGAGCTGACCTGGGCAGCCACACCACCATCTGGGAGCTGTG-3'